The following is an entry in ClinVar:

NM_001378452.1(ITPR1):c.4094T>A (p.Ile1365Asn)

Gene: ITPR1 (inositol 1,4,5-trisphosphate receptor type 1; plus strand). Cytogenetic location: 3p26.1.
Variant type: single nucleotide variant.
Coding change: c.4094T>A on transcript NM_001378452.1 (MANE Select); coding-DNA position 4094, T replaced by A.
Protein change: p.Ile1365Asn; replaces isoleucine 1365 with asparagine.
Molecular consequence: missense variant.
Genome position (GRCh38, 1-based): chr3:4,693,554, T>A. VCF-style: chr3-4693554-T-A. GRCh37 (hg19) VCF-style: chr3-4735238-T-A.
Other names: c.4067T>A, p.Ile1356Asn (NM_001099952.4); c.4049T>A, p.Ile1350Asn (NM_001168272.2); c.4022T>A, p.Ile1341Asn (NM_002222.7); short protein forms I1356N, I1350N, I1341N, I1365N.
Identifiers: ClinVar variation 2012187 (VCV002012187.4), dbSNP rs1186864820, ClinGen allele CA351631474.

ClinVar aggregate classification (germline): Uncertain significance (1 of 4 stars; one submission).

Allele frequency attached by ClinVar (database versions not stated): TOPMed below 0.00001.

Submission:

Labcorp Genetics (formerly Invitae), Labcorp
Classification: Uncertain significance. Last evaluated: 2022-06-29. Review status: criteria provided, single submitter. Criteria: Invitae Variant Classification Sherloc (09022015). Collection method: clinical testing. Allele origin: germline.
Comment: In summary, the available evidence is currently insufficient to determine the role of this variant in disease. Therefore, it has been classified as a Variant of Uncertain Significance. This sequence change replaces isoleucine, which is neutral and non-polar, with asparagine, which is neutral and polar, at codon 1341 of the ITPR1 protein (p.Ile1341Asn). This variant is not present in population databases (gnomAD no frequency). This variant has not been reported in the literature in individuals affected with ITPR1-related conditions. Algorithms developed to predict the effect of missense changes on protein structure and function are either unavailable or do not agree on the potential impact of this missense change (SIFT: "Deleterious"; PolyPhen-2: "Possibly Damaging"; Align-GVGD: "Class C0").